The following is an entry in ClinVar:

NM_032977.4(CASP10):c.*3019C>T

Gene: CASP10 (caspase 10; plus strand). Cytogenetic location: 2q33.1.
Variant type: single nucleotide variant.
Coding change: c.*3019C>T on transcript NM_032977.4 (MANE Select); 3019 bases downstream of the stop codon, C replaced by T.
Molecular consequence: 3 prime UTR variant. On other transcripts: intron variant (2).
Genome position (GRCh38, 1-based): chr2:201,220,760, C>T. VCF-style: chr2-201220760-C-T. GRCh37 (hg19) VCF-style: chr2-202085483-C-T.
Other names: c.*3019C>T (NM_001206524.2, NM_001230.5); c.*3674C>T (NM_032976.4); c.1416-8173C>T (NM_032974.5); c.1287-8173C>T (NM_001206542.2).
Identifiers: ClinVar variation 333488 (VCV000333488.5), dbSNP rs548104022, ClinGen allele CA10613491.
Genomic context (GRCh38, chr2:201,220,760, plus strand): 5'-GCCACCTTTCATGTTTCTTTCCTCTTTCTTTAATTCTTACACATGTGTCAGGATGATCTC[C>T]CAAAACCGTGTTCATAACAGTCAGGGCCAAAAGCTAGTGGTCACAGTCCTTGTCCAGTTG-3'

ClinVar aggregate classification (germline): Benign (1 of 4 stars; one submission).

Conditions:
Autoimmune lymphoproliferative syndrome type 2A (ALPS2A). Also called: CASP10-Related Autoimmune Lymphoproliferative Syndrome; AUTOIMMUNE LYMPHOPROLIFERATIVE SYNDROME, TYPE IIA; Autoimmune lymphoproliferative syndrome type 2. Identifiers: Orphanet 3261, MedGen C1858968, MONDO:0011383, OMIM 603909.

Allele frequency attached by ClinVar (database versions not stated): gnomAD 0.00001 and 0.00012; TOPMed 0.00007; gnomAD exomes 0.00010; 1000 Genomes Project 0.00060; 1000 Genomes Project 30x 0.00062.
gnomAD v4.1: 111 of 985,422 alleles (0.011%); highest among the groups gnomAD compares: South Asian, 0.47%; 2 homozygotes.

Submission:

Illumina Laboratory Services, Illumina
Classification: Benign for Autoimmune lymphoproliferative syndrome type 2A. Last evaluated: 2018-01-13. Review status: criteria provided, single submitter. Criteria: ICSL Variant Classification Criteria 13 December 2019. Collection method: clinical testing. Allele origin: germline.
Comment: This variant was observed in the ICSL laboratory as part of a predisposition screen in an ostensibly healthy population. It had not been previously curated by ICSL or reported in the Human Gene Mutation Database (HGMD: prior to June 1st, 2018), and was therefore a candidate for classification through an automated scoring system. Utilizing variant allele frequency, disease prevalence and penetrance estimates, and inheritance mode, an automated score was calculated to assess if this variant is too frequent to cause the disease. Based on the score and internal cut-off values, a variant classified as benign is not then subjected to further curation. The score for this variant resulted in a classification of benign for this disease.